The following is an entry in ClinVar:

NM_000352.6(ABCC8):c.1895_1913delinsTT (p.Gln632fs)

Gene: ABCC8 (ATP binding cassette subfamily C member 8; minus strand). Cytogenetic location: 11p15.1.
Variant type: Indel.
Coding change: c.1895_1913delinsTT on transcript NM_000352.6 (MANE Select); coding-DNA positions 1895 to 1913, AGGGCCCAGCCAGCAAGTA replaced by TT.
Protein change: p.Gln632fs; shifts the reading frame from glutamine 632.
Molecular consequence: frameshift variant. On other transcripts: non-coding transcript variant (1).
Genome position (GRCh38, 1-based): chr11:17,428,575-17,428,593, TACTTGCTGGCTGGGCCCT replaced by AA on the plus strand (AGGGCCCAGCCAGCAAGTA replaced by TT on the coding strand, the reverse complement: ABCC8 is on the minus strand). VCF-style: chr11-17428575-TACTTGCTGGCTGGGCCCT-AA. GRCh37 (hg19) VCF-style: chr11-17450122-TACTTGCTGGCTGGGCCCT-AA.
Other names: c.1895_1913delinsTT, p.Gln632fs (NM_001287174.3, NM_001351295.2); c.1892_1910delinsTT, p.Gln631fs (NM_001351296.2, NM_001351297.2); short protein forms Q631fs, Q632fs.
Identifiers: ClinVar variation 1725424 (VCV001725424.2), dbSNP rs2496671115, ClinGen allele CA2580082781.

ClinVar aggregate classification (germline): Likely pathogenic (1 of 4 stars; one submission).

Conditions:
Hyperinsulinemic hypoglycemia, familial, 1 (HHF1). Also called: HYPERINSULINISM, FAMILIAL, WITH PANCREATIC NESIDIOBLASTOSIS; HYPOGLYCEMIA, HYPERINSULINEMIC, OF INFANCY; NESIDIOBLASTOSIS OF PANCREAS; Persistent hyperinsulinemic hypoglycemia of infancy; Persistent Hyperinsulinemia Hypoglycemia of Infancy. Identifiers: Orphanet 276575, Orphanet 276598, MedGen C2931832, MONDO:0009734, OMIM 256450.

Submission:

Myriad Genetics, Inc.
Classification: Likely pathogenic for Hyperinsulinemic hypoglycemia, familial, 1. Last evaluated: 2021-12-03. Review status: criteria provided, single submitter. Criteria: Myriad Women's Health Autosomal Recessive and X-Linked Classification Criteria (2021). Collection method: clinical testing. Allele origin: unknown.
Comment: NM_000352.3(ABCC8):c.1895_1913del19ins2(Q632Lfs*38) is expected to be pathogenic in the context of familial hyperinsulinism, ABCC8-related. This variant is predicted to lead to an abnormal or absent protein product due to the creation of a premature termination codon in ABCC8, a gene where loss-of-function variants are known to be pathogenic. Please note: this variant was assessed in the context of healthy population screening.